The following is an entry in ClinVar:

ClinVar aggregate classification (germline): Uncertain significance (1 of 4 stars; one submission).

Allele frequency attached by ClinVar (database versions not stated): gnomAD 0.00001; gnomAD exomes 0.00001; TOPMed 0.00001; ExAC 0.00002.
gnomAD v4.1: 19 of 1,614,008 alleles (0.0012%); highest among the groups gnomAD compares: South Asian, 0.021%; 1 homozygote.

Submission:

Labcorp Genetics (formerly Invitae), Labcorp
Classification: Uncertain significance. Last evaluated: 2025-01-06. Review status: criteria provided, single submitter. Criteria: Invitae Variant Classification Sherloc (09022015). Collection method: clinical testing. Allele origin: germline.
Comment: This sequence change replaces asparagine, which is neutral and polar, with serine, which is neutral and polar, at codon 266 of the CNGA1 protein (p.Asn266Ser). This variant is present in population databases (rs778874113, gnomAD 0.02%). This variant has not been reported in the literature in individuals affected with CNGA1-related conditions. ClinVar contains an entry for this variant (Variation ID: 2113001). Invitae Evidence Modeling of protein sequence and biophysical properties (such as structural, functional, and spatial information, amino acid conservation, physicochemical variation, residue mobility, and thermodynamic stability) indicates that this missense variant is not expected to disrupt CNGA1 protein function with a negative predictive value of 80%. In summary, the available evidence is currently insufficient to determine the role of this variant in disease. Therefore, it has been classified as a Variant of Uncertain Significance.

NM_001379270.1(CNGA1):c.785A>G (p.Asn262Ser)

Genes: CNGA1 (cyclic nucleotide gated channel subunit alpha 1; minus strand), LOC101927157 (uncharacterized LOC101927157; plus strand). Cytogenetic location: 4p12.
Variant type: single nucleotide variant.
Coding change: c.785A>G on transcript NM_001379270.1 (MANE Select); coding-DNA position 785, A replaced by G.
Protein change: p.Asn262Ser; replaces asparagine 262 with serine.
Molecular consequence: missense variant.
Genome position (GRCh38, 1-based): chr4:47,937,697, T>C on the plus strand (A>G on the coding strand, the complement: CNGA1 is on the minus strand). VCF-style: chr4-47937697-T-C. GRCh37 (hg19) VCF-style: chr4-47939714-T-C.
Other names: c.785A>G, p.Asn262Ser (NM_000087.5, NM_001142564.2); short protein forms N262S.
Identifiers: ClinVar variation 2113001 (VCV002113001.2), dbSNP rs778874113, ClinGen allele CA2911191.